The following is an entry in ClinVar:

NM_177438.3(DICER1):c.4778T>A (p.Val1593Glu)

Gene: DICER1 (dicer 1, ribonuclease III; minus strand). Cytogenetic location: 14q32.13.
Variant type: single nucleotide variant.
Coding change: c.4778T>A on transcript NM_177438.3 (MANE Select); coding-DNA position 4778, T replaced by A.
Protein change: p.Val1593Glu; replaces valine 1593 with glutamic acid.
Molecular consequence: missense variant. On other transcripts: non-coding transcript variant (6).
Genome position (GRCh38, 1-based): chr14:95,096,142, A>T on the plus strand (T>A on the coding strand, the complement: DICER1 is on the minus strand). VCF-style: chr14-95096142-A-T. GRCh37 (hg19) VCF-style: chr14-95562479-A-T.
Other names: c.4778T>A, p.Val1593Glu (NM_001195573.1, NM_001271282.3, NM_001291628.2 and 12 more transcripts); c.4496T>A, p.Val1499Glu (NM_001395686.1); c.4373T>A, p.Val1458Glu (NM_001395687.1, NM_001395688.1, NM_001395689.1 and 2 more transcripts); c.4211T>A, p.Val1404Glu (NM_001395691.1); c.3095T>A, p.Val1032Glu (NM_001395697.1); short protein forms V1593E, V1404E, V1499E, V1458E, V1032E.
Identifiers: ClinVar variation 5035243 (VCV005035243.1).
Genomic context (GRCh38, chr14:95,096,142, plus strand): 5'-TGGCTGTTGAAATTCTCCCGAGTAGGGCACAGGGCCTTTTCCCGATCAGTCCTTTTAATT[A>T]CCGGGAGCACCTTCAGCCCCAGTGAACAGAGGAAAAGCTGAGCAGCCCTCTCCCCACAGC-3'
Protein context (NP_803187.1, residues 1583-1603): LCSLGLKVLP[Val1593Glu]IKRTDREKAL

ClinVar aggregate classification (germline): Uncertain significance (1 of 4 stars; one submission).

Conditions:
Hereditary cancer-predisposing syndrome. Also called: Hereditary Cancer Syndrome; Neoplastic Syndromes, Hereditary; Tumor predisposition; Hereditary neoplastic syndrome. Identifiers: Orphanet 140162, MedGen C0027672, MeSH D009386, MONDO:0015356.

Submission:

Ambry Genetics
Classification: Uncertain significance for Hereditary cancer-predisposing syndrome. Last evaluated: 2026-07-06. Review status: criteria provided, single submitter. Criteria: Ambry Variant Classification Scheme 2023. Collection method: clinical testing. Allele origin: germline.
Comment: The p.V1593E variant (also known as c.4778T>A), located in coding exon 22 of the DICER1 gene, results from a T to A substitution at nucleotide position 4778. The valine at codon 1593 is replaced by glutamic acid, an amino acid with dissimilar properties. This amino acid position is conserved. In addition, the in silico prediction for this alteration is inconclusive. Based on the available evidence, the clinical significance of this variant remains unclear.